The following is an entry in ClinVar:

NM_001173467.3(SP7):c.1174G>A (p.Gly392Arg)

Gene: SP7 (Sp7 transcription factor; minus strand). Cytogenetic location: 12q13.13.
Variant type: single nucleotide variant.
Coding change: c.1174G>A on transcript NM_001173467.3 (MANE Select); coding-DNA position 1174, G replaced by A.
Protein change: p.Gly392Arg; replaces glycine 392 with arginine.
Molecular consequence: missense variant.
Genome position (GRCh38, 1-based): chr12:53,328,268, C>T on the plus strand (G>A on the coding strand, the complement: SP7 is on the minus strand). VCF-style: chr12-53328268-C-T. GRCh37 (hg19) VCF-style: chr12-53722052-C-T.
Other names: c.1120G>A, p.Gly374Arg (NM_001300837.2); c.1174G>A, p.Gly392Arg (NM_152860.2); short protein forms G392R, G374R.
Identifiers: ClinVar variation 3717251 (VCV003717251.2).
Genomic context (GRCh38, chr12:53,328,268, plus strand): 5'-GCGAGGCAGAAGGTCGGGGCGTCTGACTGGCCTCCTCTTCCCCCGTGCTGCGGCCCTCCC[C>T]CAGCTCCTTGGGGCCACTGGGAGGGGGACCCGGGCCTGGTTCTCCATGGGTGCGCTGGTG-3'
Protein context (NP_001166938.1, residues 382-402): GPPPSGPKEL[Gly392Arg]EGRSTGEEEA

ClinVar aggregate classification (germline): Uncertain significance (1 of 4 stars; one submission).

Submission:

Labcorp Genetics (formerly Invitae), Labcorp
Classification: Uncertain significance. Last evaluated: 2024-03-21. Review status: criteria provided, single submitter. Criteria: Invitae Variant Classification Sherloc (09022015). Collection method: clinical testing. Allele origin: germline.
Comment: This sequence change replaces glycine, which is neutral and non-polar, with arginine, which is basic and polar, at codon 392 of the SP7 protein (p.Gly392Arg). This variant is present in population databases (rs769161097, gnomAD 0.003%). This variant has not been reported in the literature in individuals affected with SP7-related conditions. An algorithm developed to predict the effect of missense changes on protein structure and function (PolyPhen-2) suggests that this variant is likely to be tolerated. In summary, the available evidence is currently insufficient to determine the role of this variant in disease. Therefore, it has been classified as a Variant of Uncertain Significance.